The following is an entry in ClinVar:

NM_018706.7(DHTKD1):c.40G>C (p.Gly14Arg)

Gene: DHTKD1 (dehydrogenase E1 and transketolase domain containing 1; plus strand). Cytogenetic location: 10p14.
Variant type: single nucleotide variant.
Coding change: c.40G>C on transcript NM_018706.7 (MANE Select); coding-DNA position 40, G replaced by C.
Protein change: p.Gly14Arg; replaces glycine 14 with arginine.
Molecular consequence: missense variant.
Genome position (GRCh38, 1-based): chr10:12,069,073, G>C. VCF-style: chr10-12069073-G-C. GRCh37 (hg19) VCF-style: chr10-12111072-G-C.
Other names: c.40G>C (NM_018706.5); short protein forms G14R.
Identifiers: ClinVar variation 2043746 (VCV002043746.6), dbSNP rs146881212, ClinGen allele CA5407418.

ClinVar aggregate classification (germline): Uncertain significance. Review status: criteria provided, multiple submitters, no conflicts (2 of 4 stars). 2 submissions from 2 submitters: Uncertain significance (2). Last evaluated 2025-11-21.

Conditions:
Inborn genetic diseases. Identifiers: MedGen C0950123, MeSH D030342.
2-aminoadipic 2-oxoadipic aciduria (AAKAD). Also called: ALPHA-AMINOADIPIC AND ALPHA-KETOADIPIC ACIDURIA; Aminoadipic aciduria. Identifiers: Orphanet 79154, MedGen C1859817, MONDO:0008774, OMIM 204750.

gnomAD v4.1: 28 of 1,612,856 alleles (0.0017%); highest among the groups gnomAD compares: Admixed American, 0.047%; no homozygotes.

Submissions (2):

Labcorp Genetics (formerly Invitae), Labcorp
Classification: Uncertain significance for 2-aminoadipic 2-oxoadipic aciduria. Last evaluated: 2025-11-21. Review status: criteria provided, single submitter. Criteria: Invitae Variant Classification Sherloc (09022015). Collection method: clinical testing. Allele origin: germline.
Comment: This sequence change replaces glycine, which is neutral and non-polar, with arginine, which is basic and polar, at codon 14 of the DHTKD1 protein (p.Gly14Arg). This variant is present in population databases (rs146881212, gnomAD 0.09%). This variant has not been reported in the literature in individuals affected with DHTKD1-related conditions. ClinVar contains an entry for this variant (Variation ID: 2043746). An algorithm developed to predict the effect of missense changes on protein structure and function outputs the following: PolyPhen-2: "Not Available". The arginine amino acid residue is found in multiple mammalian species, which suggests that this missense change does not adversely affect protein function. In summary, the available evidence is currently insufficient to determine the role of this variant in disease. Therefore, it has been classified as a Variant of Uncertain Significance.

Ambry Genetics
Classification: Uncertain significance for Inborn genetic diseases. Last evaluated: 2024-05-10. Review status: criteria provided, single submitter. Criteria: Ambry Variant Classification Scheme 2023. Collection method: clinical testing. Allele origin: germline.